The following is an entry in ClinVar:

NM_003242.6(TGFBR2):c.1564G>A (p.Asp522Asn)

Gene: TGFBR2 (transforming growth factor beta receptor 2; plus strand). Cytogenetic location: 3p24.1.
Variant type: single nucleotide variant.
Coding change: c.1564G>A on transcript NM_003242.6 (MANE Select); coding-DNA position 1564, G replaced by A.
Protein change: p.Asp522Asn; replaces aspartic acid 522 with asparagine.
Molecular consequence: missense variant.
Genome position (GRCh38, 1-based): chr3:30,691,459, G>A. VCF-style: chr3-30691459-G-A. GRCh37 (hg19) VCF-style: chr3-30732951-G-A.
Other names: p.D522N:GAC>AAC; c.1639G>A, p.Asp547Asn (NM_001024847.3); c.1747G>A, p.Asp583Asn (NM_001407126.1); c.1672G>A, p.Asp558Asn (NM_001407127.1); c.1591G>A, p.Asp531Asn (NM_001407128.1); c.1567G>A, p.Asp523Asn (NM_001407129.1); c.1561G>A, p.Asp521Asn (NM_001407130.1); c.1459G>A, p.Asp487Asn (NM_001407132.1, NM_001407133.1, NM_001407134.1 and 2 more transcripts); and 3 more; short protein forms D522N, D547N, D521N, D523N, D558N, D402N, D427N, D531N.
Identifiers: ClinVar variation 213936 (VCV000213936.9), dbSNP rs863223854, ClinGen allele CA322561.

ClinVar aggregate classification (germline): Pathogenic/Likely pathogenic. Review status: criteria provided, multiple submitters, no conflicts (2 of 4 stars). 3 submissions from 3 submitters: Pathogenic (1); Likely pathogenic (1). 1 of the submissions does not count toward it. Last evaluated 2022-07-03.

Conditions:
Familial thoracic aortic aneurysm and aortic dissection (TAAD). Also called: Thoracic aortic aneurysms and dissections. Identifiers: Orphanet 91387, MedGen C4707243, MONDO:0019625.

Submissions (3):

Labcorp Genetics (formerly Invitae), Labcorp
Classification: Pathogenic for Familial thoracic aortic aneurysm and aortic dissection. Last evaluated: 2022-07-03. Review status: criteria provided, single submitter. Criteria: Invitae Variant Classification Sherloc (09022015). Collection method: clinical testing. Allele origin: germline.
Comment: Advanced modeling of protein sequence and biophysical properties (such as structural, functional, and spatial information, amino acid conservation, physicochemical variation, residue mobility, and thermodynamic stability) performed at Invitae indicates that this missense variant is expected to disrupt TGFBR2 protein function. For these reasons, this variant has been classified as Pathogenic. This variant disrupts the p.Asp522 amino acid residue in TGFBR2. Other variant(s) that disrupt this residue have been observed in individuals with TGFBR2-related conditions (Invitae), which suggests that this may be a clinically significant amino acid residue. ClinVar contains an entry for this variant (Variation ID: 213936). This variant is also known as NM_001024847.2:c.1639G>A (p.Asp547Asn). This missense change has been observed in individual(s) with TGFBR2-related conditions (PMID: 17599521, 30675029, 34422331; Invitae). In at least one individual the variant was observed to be de novo. This variant is not present in population databases (gnomAD no frequency). This sequence change replaces aspartic acid, which is acidic and polar, with asparagine, which is neutral and polar, at codon 522 of the TGFBR2 protein (p.Asp522Asn).

Institute of Human Genetics, University Medical Center Hamburg-Eppendorf
Classification: Likely pathogenic for Thoracic aortic aneurysm and aortic dissection. Last evaluated: 2018-11-20. Review status: criteria provided, single submitter. Criteria: ACMG Guidelines, 2015. Collection method: clinical testing. Allele origin: unknown. Inheritance: Autosomal dominant inheritance. Affected: yes.

GeneDx
Classification: Uncertain significance. Last evaluated: 2017-12-06. Review status: flagged submission. Criteria: GeneDx Variant Classification (06012015). Collection method: clinical testing. Allele origin: germline. Affected: yes. Not counted in ClinVar's aggregate classification.
Comment: The D522N variant of uncertain significance in the TGFBR2 gene has been reported in an individual with a clinical diagnosis of Loeys Dietz syndrome (LDS) and classic features (Lee et al., 2007); however, segregation information was not provided. This variant is not observed in large population cohorts (Lek et al., 2016). The D522N variant is a semi-conservative amino acid substitution, which may impact secondary protein structure as these residues differ in some properties. In-silico analyses, including protein predictors and evolutionary conservation, support a deleterious effect. Nevertheless, the D522N variant lacks observation in a significant number of affected individuals, segregation data, and functional evidence, which would further clarify its pathogenicity. Finally, while missense variants in nearby residues (G520R, G520F, G520Y, W521R, D524N, D524Y) have been reported in HGMD in association with TGFBR2-related disorders (Stenson et al., 2014); the pathogenicity of these variants has not been definitively determined.
ClinVar note: Reason: Older claim that does not account for recent evidence

Literature cited by the submitters: PubMed 17599521 (cited by Labcorp Genetics (formerly Invitae), Labcorp); PubMed 30675029 (cited by Labcorp Genetics (formerly Invitae), Labcorp and Institute of Human Genetics, University Medical Center Hamburg-Eppendorf); PubMed 34422331 (cited by Labcorp Genetics (formerly Invitae), Labcorp).